The following is an entry in ClinVar:

ClinVar aggregate classification (germline): Uncertain significance (1 of 4 stars; one submission).

Allele frequency attached by ClinVar (database versions not stated): gnomAD 0.00001; gnomAD exomes 0.00001; ExAC 0.00002; TOPMed 0.00003; 1000 Genomes Project 30x 0.00016; 1000 Genomes Project 0.00020.
gnomAD v4.1: 30 of 1,614,180 alleles (0.0019%); highest among the groups gnomAD compares: East Asian, 0.045%; no homozygotes.

Submission:

Labcorp Genetics (formerly Invitae), Labcorp
Classification: Uncertain significance. Last evaluated: 2022-11-01. Review status: criteria provided, single submitter. Criteria: Invitae Variant Classification Sherloc (09022015). Collection method: clinical testing. Allele origin: germline.
Comment: In summary, the available evidence is currently insufficient to determine the role of this variant in disease. Therefore, it has been classified as a Variant of Uncertain Significance. Advanced modeling of protein sequence and biophysical properties (such as structural, functional, and spatial information, amino acid conservation, physicochemical variation, residue mobility, and thermodynamic stability) performed at Invitae indicates that this missense variant is not expected to disrupt FZD4 protein function. ClinVar contains an entry for this variant (Variation ID: 941087). This missense change has been observed in individual(s) with advanced retinopathy of prematurity (PMID: 23441120). This variant is present in population databases (rs184709254, gnomAD 0.01%). This sequence change replaces arginine, which is basic and polar, with histidine, which is basic and polar, at codon 127 of the FZD4 protein (p.Arg127His).

Literature cited by the submitters: PubMed 23441120.

NM_012193.4(FZD4):c.380G>A (p.Arg127His)

Genes: FZD4 (frizzled class receptor 4; minus strand), PRSS23 (serine protease 23; plus strand). Cytogenetic location: 11q14.2.
Variant type: single nucleotide variant.
Coding change: c.380G>A on transcript NM_012193.4 (MANE Select); coding-DNA position 380, G replaced by A.
Protein change: p.Arg127His; replaces arginine 127 with histidine.
Molecular consequence: missense variant. On other transcripts: non-coding transcript variant (2).
Genome position (GRCh38, 1-based): chr11:86,952,376, C>T on the plus strand (G>A on the coding strand, the complement: FZD4 is on the minus strand). VCF-style: chr11-86952376-C-T. GRCh37 (hg19) VCF-style: chr11-86663418-C-T.
Other names: short protein forms R127H.
Identifiers: ClinVar variation 941087 (VCV000941087.8), dbSNP rs184709254, ClinGen allele CA6218464.
Genomic context (GRCh38, chr11:86,952,376, plus strand): 5'-TTGCTGCAGTTCAGACTCTCTGGCCAGGCAAATCCAAATTCCTTCAGGACGGGTTCACAG[C>T]GTCTCTTGACTGAAAGACACATGCCGCCGCATGGGCCAATGGGGATGTTGATCTTCTCTG-3'
Protein context (NP_036325.2, residues 117-137): CGGMCLSVKR[Arg127His]CEPVLKEFGF